The following is an entry in ClinVar:

ClinVar aggregate classification (germline): Uncertain significance. Review status: criteria provided, multiple submitters, no conflicts (2 of 4 stars). 2 submissions from 2 submitters: Uncertain significance (2). Last evaluated 2023-11-22.

Conditions:
Neurodevelopmental disorder with nonspecific brain abnormalities and with or without seizures. Identifiers: MedGen C5231470, MONDO:0032877, OMIM 618709.

Submissions (2):

Clinical Genomics Laboratory, Washington University in St. Louis
Classification: Uncertain significance for Neurodevelopmental disorder with nonspecific brain abnormalities and with or without seizures. Last evaluated: 2023-11-22. Review status: criteria provided, single submitter. Criteria: ACMG Guidelines, 2015. Collection method: clinical testing. Allele origin: germline.
Comment: The DLL1 c.413-3T>G variant, to our knowledge, has not been reported in the medical literature but has been reported in the ClinVar database as a germline variant of uncertain significance by one submitter. This variant is absent from the general population (gnomAD v.2.1.1), indicating it is not a common variant. Computational predictors indicate that this variant would alter splicing by loss of the canonical acceptor site downstream, evidence that correlates to an impact of this variant on DLL1 function. Although it is unclear what the impact this variant would have on splicing, this exon encodes the DSL domain, an extracellular domain critical for structure and function of NOTCH ligands (Hirano KI et al., PMID: 31934853). Due to limited information, and based on ACMG/AMP guidelines for variant interpretation (Richards S et al., PMID: 25741868), the clinical significance of this variant is uncertain at this time.

Baylor Genetics
Classification: Uncertain significance for Neurodevelopmental disorder with nonspecific brain abnormalities and with or without seizures. Last evaluated: 2022-08-05. Review status: criteria provided, single submitter. Criteria: ACMG Guidelines, 2015. Collection method: clinical testing. Allele origin: unknown.

NM_005618.4(DLL1):c.413-3T>G

Gene: DLL1 (delta like canonical Notch ligand 1; minus strand). Cytogenetic location: 6q27.
Variant type: single nucleotide variant.
Coding change: c.413-3T>G on transcript NM_005618.4 (MANE Select); 3 bases into the intron before coding-DNA position 413, T replaced by G.
Molecular consequence: intron variant.
Genome position (GRCh38, 1-based): chr6:170,288,499, A>C on the plus strand (T>G on the coding strand, the complement: DLL1 is on the minus strand). VCF-style: chr6-170288499-A-C. GRCh37 (hg19) VCF-style: chr6-170597587-A-C.
Identifiers: ClinVar variation 2442177 (VCV002442177.2), dbSNP rs1316232327, ClinGen allele CA2580075329.